The following is an entry in ClinVar:

ClinVar aggregate classification (germline): Uncertain significance. Review status: criteria provided, multiple submitters, no conflicts (2 of 4 stars). 2 submissions from 2 submitters: Uncertain significance (2). Last evaluated 2026-06-01.

Conditions:
Familial cold autoinflammatory syndrome 2 (FCAS2). Identifiers: Orphanet 247868, MedGen C2673198, MONDO:0012724, OMIM 611762.

Allele frequency attached by ClinVar (database versions not stated): gnomAD 0.00012 and 0.00015; ESP Exome Variant Server 0.00023.
gnomAD v4.1: 29 of 1,614,000 alleles (0.0018%); highest among the groups gnomAD compares: African/African-American, 0.032%; no homozygotes.

Submissions (2):

Women's Health and Genetics/Laboratory Corporation of America, LabCorp
Classification: Uncertain significance. Last evaluated: 2026-06-01. Review status: criteria provided, single submitter. Criteria: LabCorp Variant Classification Summary - May 2015. Collection method: clinical testing. Allele origin: germline.
Comment: Variant summary: NLRP12 c.38T>G (p.Leu13Arg) results in a non-conservative amino acid change in the encoded protein sequence. Algorithms developed to predict the effect of missense changes on protein structure and function are either unavailable or do not agree on the potential impact of this missense change. The variant allele was found at a frequency of 3.6e-05 in 251236 control chromosomes. The available data on variant occurrences in the general population are insufficient to allow any conclusion about variant significance. To our knowledge, no occurrence of c.38T>G in individuals affected with NLRP12-related conditions and no experimental evidence demonstrating its impact on protein function have been reported. ClinVar contains an entry for this variant (Variation ID: 853521). Based on the evidence outlined above, the variant was classified as uncertain significance.

Labcorp Genetics (formerly Invitae), Labcorp
Classification: Uncertain significance for Familial cold autoinflammatory syndrome 2. Last evaluated: 2025-11-27. Review status: criteria provided, single submitter. Criteria: Invitae Variant Classification Sherloc (09022015). Collection method: clinical testing. Allele origin: germline.
Comment: This sequence change replaces leucine, which is neutral and non-polar, with arginine, which is basic and polar, at codon 13 of the NLRP12 protein (p.Leu13Arg). This variant is present in population databases (rs374428779, gnomAD 0.06%), and has an allele count higher than expected for a pathogenic variant. This variant has not been reported in the literature in individuals affected with NLRP12-related conditions. ClinVar contains an entry for this variant (Variation ID: 853521). Invitae Evidence Modeling of protein sequence and biophysical properties (such as structural, functional, and spatial information, amino acid conservation, physicochemical variation, residue mobility, and thermodynamic stability) indicates that this missense variant is expected to disrupt NLRP12 protein function with a positive predictive value of 80%. In summary, the available evidence is currently insufficient to determine the role of this variant in disease. Therefore, it has been classified as a Variant of Uncertain Significance.

NM_144687.4(NLRP12):c.38T>G (p.Leu13Arg)

Gene: NLRP12 (NLR family pyrin domain containing 12; minus strand). Cytogenetic location: 19q13.42.
Variant type: single nucleotide variant.
Coding change: c.38T>G on transcript NM_144687.4 (MANE Select); coding-DNA position 38, T replaced by G.
Protein change: p.Leu13Arg; replaces leucine 13 with arginine.
Molecular consequence: missense variant.
Genome position (GRCh38, 1-based): chr19:53,824,137, A>C on the plus strand (T>G on the coding strand, the complement: NLRP12 is on the minus strand). VCF-style: chr19-53824137-A-C. GRCh37 (hg19) VCF-style: chr19-54327391-A-C.
Other names: c.38T>G, p.Leu13Arg (NM_001277126.2, NM_001277129.1); short protein forms L13R.
Identifiers: ClinVar variation 853521 (VCV000853521.10), dbSNP rs374428779, ClinGen allele CA9639852.
Genomic context (GRCh38, chr19:53,824,137, plus strand): 5'-CCCAGGTATAACTTGAACTTCTTCAGTTCCACAGCCTCGAGTTCTTCCAAGTAGGTGGAC[A>C]GGCGACAGAGGCCGTCCCTGCCTGCGGTTCGTAGCATGGGGGTGCCGTGAGCCCCAAAGG-3'
Protein context (NP_653288.1, residues 3-23): RTAGRDGLCR[Leu13Arg]STYLEELEAV